The following is an entry in ClinVar:

NM_031935.3(HMCN1):c.10842G>A (p.Val3614=)

Gene: HMCN1 (hemicentin 1; plus strand). Cytogenetic location: 1q31.1.
Variant type: single nucleotide variant.
Coding change: c.10842G>A on transcript NM_031935.3 (MANE Select); coding-DNA position 10842, G replaced by A.
Protein change: p.Val3614=; no amino-acid change (valine 3614 retained).
Molecular consequence: synonymous variant.
Genome position (GRCh38, 1-based): chr1:186,106,955, G>A. VCF-style: chr1-186106955-G-A. GRCh37 (hg19) VCF-style: chr1-186076087-G-A.
Identifiers: ClinVar variation 2094847 (VCV002094847.4), dbSNP rs749191590, ClinGen allele CA1293828.

ClinVar aggregate classification (germline): Uncertain significance (1 of 4 stars; one submission).

Allele frequency attached by ClinVar (database versions not stated): gnomAD 0.00001; ExAC 0.00002.
gnomAD v4.1: 12 of 1,606,074 alleles (0.00075%); highest among the groups gnomAD compares: Non-Finnish European, 0.00085%; no homozygotes.

Submission:

Labcorp Genetics (formerly Invitae), Labcorp
Classification: Uncertain significance. Last evaluated: 2023-07-17. Review status: criteria provided, single submitter. Criteria: Invitae Variant Classification Sherloc (09022015). Collection method: clinical testing. Allele origin: germline.
Comment: In summary, the available evidence is currently insufficient to determine the role of this variant in disease. Therefore, it has been classified as a Variant of Uncertain Significance. Algorithms developed to predict the effect of sequence changes on RNA splicing suggest that this variant may create or strengthen a splice site. ClinVar contains an entry for this variant (Variation ID: 2094847). This variant has not been reported in the literature in individuals affected with HMCN1-related conditions. This variant is present in population databases (rs749191590, gnomAD 0.004%). This sequence change affects codon 3614 of the HMCN1 mRNA. It is a 'silent' change, meaning that it does not change the encoded amino acid sequence of the HMCN1 protein.